The following is an entry in ClinVar:

NM_001005361.3(DNM2):c.2526T>G (p.Ile842Met)

Gene: DNM2 (dynamin 2; plus strand). Cytogenetic location: 19p13.2.
Variant type: single nucleotide variant.
Coding change: c.2526T>G on transcript NM_001005361.3 (MANE Select); coding-DNA position 2526, T replaced by G.
Protein change: p.Ile842Met; replaces isoleucine 842 with methionine.
Molecular consequence: missense variant.
Genome position (GRCh38, 1-based): chr19:10,830,361, T>G. VCF-style: chr19-10830361-T-G. GRCh37 (hg19) VCF-style: chr19-10941037-T-G.
Other names: c.2526T>G, p.Ile842Met (NM_001005360.3, NM_001190716.2); c.2514T>G, p.Ile838Met (NM_001005362.3, NM_004945.4); short protein forms I842M, I838M.
Identifiers: ClinVar variation 2863195 (VCV002863195.3), dbSNP rs1173105671, ClinGen allele CA404044354.

ClinVar aggregate classification (germline): Uncertain significance (1 of 4 stars; one submission).

Conditions:
Charcot-Marie-Tooth disease dominant intermediate B (CMTDIB). Also called: CHARCOT-MARIE-TOOTH NEUROPATHY, DOMINANT INTERMEDIATE B; Charcot-Marie-Tooth disease dominant intermediate 1; CMT DI1; Charcot-Marie-Tooth disease dominant intermediate I. Identifiers: Orphanet 100044, Orphanet 228179, MedGen C1847902, MONDO:0011674, OMIM 606482.

Submission:

Labcorp Genetics (formerly Invitae), Labcorp
Classification: Uncertain significance for Charcot-Marie-Tooth disease dominant intermediate B. Last evaluated: 2023-05-22. Review status: criteria provided, single submitter. Criteria: Invitae Variant Classification Sherloc (09022015). Collection method: clinical testing. Allele origin: germline.
Comment: This sequence change replaces isoleucine, which is neutral and non-polar, with methionine, which is neutral and non-polar, at codon 842 of the DNM2 protein (p.Ile842Met). This variant is not present in population databases (gnomAD no frequency). This variant has not been reported in the literature in individuals affected with DNM2-related conditions. Advanced modeling of protein sequence and biophysical properties (such as structural, functional, and spatial information, amino acid conservation, physicochemical variation, residue mobility, and thermodynamic stability) has been performed at Invitae for this missense variant, however the output from this modeling did not meet the statistical confidence thresholds required to predict the impact of this variant on DNM2 protein function. In summary, the available evidence is currently insufficient to determine the role of this variant in disease. Therefore, it has been classified as a Variant of Uncertain Significance.